The following is an entry in ClinVar:

ClinVar aggregate classification (germline): Benign/Likely benign. Review status: criteria provided, multiple submitters, no conflicts (2 of 4 stars). 4 submissions from 4 submitters: Benign (2); Likely benign (2). Last evaluated 2026-02-01.

Submissions (4):

Labcorp Genetics (formerly Invitae), Labcorp
Classification: Benign. Last evaluated: 2026-02-01. Review status: criteria provided, single submitter. Criteria: Invitae Variant Classification Sherloc (09022015). Collection method: clinical testing. Allele origin: germline.

Blueprint Genetics
Classification: Likely benign. Last evaluated: 2024-11-19. Review status: criteria provided, single submitter. Criteria: ACMG Guidelines, 2015. Collection method: clinical testing. Allele origin: germline.

Mayo Clinic Laboratories, Mayo Clinic
Classification: Benign. Last evaluated: 2024-03-22. Review status: criteria provided, single submitter. Criteria: ACMG Guidelines, 2015. Collection method: clinical testing. Allele origin: germline. Observed: 3 variant alleles.
Comment: BS1, BS2, BP4, BP7

CeGaT Center for Human Genetics Tuebingen
Classification: Likely benign. Last evaluated: 2023-03-01. Review status: criteria provided, single submitter. Criteria: CeGaT Center For Human Genetics Tuebingen Variant Classification Criteria Version 2. Collection method: clinical testing. Allele origin: germline. Affected: yes. Observed: 3 variant alleles.
Comment: WDR1: BP4, BS2

NM_017491.5(WDR1):c.1284+4_1284+5dup

Gene: WDR1 (WD repeat domain 1; minus strand). Cytogenetic location: 4p16.1.
Variant type: Duplication.
Coding change: c.1284+4_1284+5dup on transcript NM_017491.5 (MANE Select); bases 4 to 5 of the intron after coding-DNA position 1284, 2 bases duplicated (GG; older notation c.1284+4_1284+5dupGG).
Molecular consequence: intron variant.
Genome position (GRCh38, 1-based): chr4:10,081,351-10,081,352, CC duplicated on the plus strand (GG on the coding strand, the reverse complement: WDR1 is on the minus strand); duplicating any 2 consecutive bases within chr4:10,081,351-10,081,353 gives the same sequence; the c. name uses the placement nearest the transcript's 3' end. VCF-style (leftmost placement, unchanged base first): chr4-10081350-T-TCC. GRCh37 (hg19) VCF-style: chr4-10082974-T-TCC.
Other names: p.?; c.864+4_864+5dup (NM_005112.5); c.1284+5_1284+6dup (NM_017491.5).
Identifiers: ClinVar variation 1167662 (VCV001167662.38), dbSNP rs559833783, ClinGen allele CA2857647.